The following is an entry in ClinVar:

NM_006059.4(LAMC3):c.3272G>A (p.Arg1091Gln)

Gene: LAMC3 (laminin subunit gamma 3; plus strand). Cytogenetic location: 9q34.12.
Variant type: single nucleotide variant.
Coding change: c.3272G>A on transcript NM_006059.4 (MANE Select); coding-DNA position 3272, G replaced by A.
Protein change: p.Arg1091Gln; replaces arginine 1091 with glutamine.
Molecular consequence: missense variant.
Genome position (GRCh38, 1-based): chr9:131,072,690, G>A. VCF-style: chr9-131072690-G-A. GRCh37 (hg19) VCF-style: chr9-133948077-G-A.
Other names: c.3272G>A (NM_006059.3); short protein forms R1091Q.
Identifiers: ClinVar variation 1443465 (VCV001443465.7), dbSNP rs376158532, ClinGen allele CA5287741.

ClinVar aggregate classification (germline): Uncertain significance. Review status: criteria provided, multiple submitters, no conflicts (2 of 4 stars). 3 submissions from 3 submitters: Uncertain significance (3). Last evaluated 2023-07-12.

Conditions:
Inborn genetic diseases. Identifiers: MedGen C0950123, MeSH D030342.

Allele frequency attached by ClinVar (database versions not stated): ExAC 0.00003; gnomAD 0.00003; TOPMed 0.00003; gnomAD exomes 0.00004 and 0.00006.
gnomAD v4.1: 61 of 1,611,906 alleles (0.0038%); highest among the groups gnomAD compares: Middle Eastern, 0.041%; no homozygotes.

Submissions (3):

Ambry Genetics
Classification: Uncertain significance for Inborn genetic diseases. Last evaluated: 2023-07-12. Review status: criteria provided, single submitter. Criteria: Ambry Variant Classification Scheme 2023. Collection method: clinical testing. Allele origin: germline.

Labcorp Genetics (formerly Invitae), Labcorp
Classification: Uncertain significance. Last evaluated: 2022-10-13. Review status: criteria provided, single submitter. Criteria: Invitae Variant Classification Sherloc (09022015). Collection method: clinical testing. Allele origin: germline.
Comment: This sequence change replaces arginine, which is basic and polar, with glutamine, which is neutral and polar, at codon 1091 of the LAMC3 protein (p.Arg1091Gln). This variant is present in population databases (rs376158532, gnomAD 0.02%). This variant has not been reported in the literature in individuals affected with LAMC3-related conditions. ClinVar contains an entry for this variant (Variation ID: 1443465). Algorithms developed to predict the effect of missense changes on protein structure and function output the following: SIFT: "Tolerated"; PolyPhen-2: "Benign"; Align-GVGD: "Class C0". The glutamine amino acid residue is found in multiple mammalian species, which suggests that this missense change does not adversely affect protein function. In summary, the available evidence is currently insufficient to determine the role of this variant in disease. Therefore, it has been classified as a Variant of Uncertain Significance.

GeneDx
Classification: Uncertain significance. Last evaluated: 2022-08-16. Review status: criteria provided, single submitter. Criteria: GeneDx Variant Classification Process June 2021. Collection method: clinical testing. Allele origin: germline. Affected: yes.
Comment: In silico analysis supports that this missense variant does not alter protein structure/function; Has not been previously published as pathogenic or benign to our knowledge